The following is an entry in ClinVar:

ClinVar aggregate classification (germline): Uncertain significance (1 of 4 stars; one submission).

Allele frequency attached by ClinVar (database versions not stated): gnomAD 0.00001; TOPMed 0.00001; ExAC 0.00002; gnomAD exomes 0.00002 and 0.00003.
gnomAD v4.1: 39 of 1,610,814 alleles (0.0024%); highest among the groups gnomAD compares: Middle Eastern, 0.016%; no homozygotes.

Submission:

Labcorp Genetics (formerly Invitae), Labcorp
Classification: Uncertain significance. Last evaluated: 2021-10-20. Review status: criteria provided, single submitter. Criteria: Invitae Variant Classification Sherloc (09022015). Collection method: clinical testing. Allele origin: germline.
Comment: In summary, the available evidence is currently insufficient to determine the role of this variant in disease. Therefore, it has been classified as a Variant of Uncertain Significance. Algorithms developed to predict the effect of missense changes on protein structure and function are either unavailable or do not agree on the potential impact of this missense change (SIFT: "Deleterious"; PolyPhen-2: "Probably Damaging"; Align-GVGD: "Class C15"). This variant has not been reported in the literature in individuals affected with ORC1-related conditions. This variant is present in population databases (rs767782494, ExAC 0.003%). This sequence change replaces threonine with methionine at codon 794 of the ORC1 protein (p.Thr794Met). The threonine residue is highly conserved and there is a moderate physicochemical difference between threonine and methionine.

NM_004153.4(ORC1):c.2381C>T (p.Thr794Met)

Gene: ORC1 (origin recognition complex subunit 1; minus strand). Cytogenetic location: 1p32.3.
Variant type: single nucleotide variant.
Coding change: c.2381C>T on transcript NM_004153.4 (MANE Select); coding-DNA position 2381, C replaced by T.
Protein change: p.Thr794Met; replaces threonine 794 with methionine.
Molecular consequence: missense variant.
Genome position (GRCh38, 1-based): chr1:52,374,820, G>A on the plus strand (C>T on the coding strand, the complement: ORC1 is on the minus strand). VCF-style: chr1-52374820-G-A. GRCh37 (hg19) VCF-style: chr1-52840492-G-A.
Other names: c.2381C>T, p.Thr794Met (NM_001190818.2); c.2366C>T, p.Thr789Met (NM_001190819.2); short protein forms T789M, T794M.
Identifiers: ClinVar variation 1472304 (VCV001472304.6), dbSNP rs767782494, ClinGen allele CA853044.